The following is an entry in ClinVar:

NM_005506.4(SCARB2):c.1235A>G (p.Asn412Ser)

Gene: SCARB2 (scavenger receptor class B member 2; minus strand). Cytogenetic location: 4q21.1.
Variant type: single nucleotide variant.
Coding change: c.1235A>G on transcript NM_005506.4 (MANE Select); coding-DNA position 1235, A replaced by G.
Protein change: p.Asn412Ser; replaces asparagine 412 with serine.
Molecular consequence: missense variant.
Genome position (GRCh38, 1-based): chr4:76,166,254, T>C on the plus strand (A>G on the coding strand, the complement: SCARB2 is on the minus strand). VCF-style: chr4-76166254-T-C. GRCh37 (hg19) VCF-style: chr4-77087407-T-C.
Other names: c.806A>G, p.Asn269Ser (NM_001204255.2); short protein forms N412S, N269S.
Identifiers: ClinVar variation 462920 (VCV000462920.9), dbSNP rs771661901, ClinGen allele CA2970153.

ClinVar aggregate classification (germline): Uncertain significance (1 of 4 stars; one submission).

Conditions:
Progressive myoclonic epilepsy. Also called: Myoclonus epilepsy; Progressive myoclonus epilepsy; Familial progressive myoclonic epilepsy; Myoclonic Epilepsies, Progressive. Identifiers: Orphanet 308, Orphanet 98261, MedGen C0751778, MONDO:0020074.

Allele frequency attached by ClinVar (database versions not stated): ExAC 0.00001; TOPMed 0.00001; gnomAD exomes 0.00002.
gnomAD v4.1: 11 of 1,613,842 alleles (0.00068%); highest among the groups gnomAD compares: Middle Eastern, 0.017%; no homozygotes.

Submission:

Labcorp Genetics (formerly Invitae), Labcorp
Classification: Uncertain significance for Progressive myoclonic epilepsy. Last evaluated: 2022-01-06. Review status: criteria provided, single submitter. Criteria: Invitae Variant Classification Sherloc (09022015). Collection method: clinical testing. Allele origin: germline.
Comment: This sequence change replaces asparagine, which is neutral and polar, with serine, which is neutral and polar, at codon 412 of the SCARB2 protein (p.Asn412Ser). This variant is present in population databases (rs771661901, gnomAD 0.006%). This variant has not been reported in the literature in individuals affected with SCARB2-related conditions. ClinVar contains an entry for this variant (Variation ID: 462920). Algorithms developed to predict the effect of missense changes on protein structure and function are either unavailable or do not agree on the potential impact of this missense change (SIFT: "Tolerated"; PolyPhen-2: "Possibly Damaging"; Align-GVGD: "Class C0"). Algorithms developed to predict the effect of sequence changes on RNA splicing suggest that this variant may create or strengthen a splice site. In summary, the available evidence is currently insufficient to determine the role of this variant in disease. Therefore, it has been classified as a Variant of Uncertain Significance.